The following is an entry in ClinVar:

ClinVar aggregate classification (germline): Conflicting classifications of pathogenicity. Review status: criteria provided, conflicting classifications (1 of 4 stars). 4 submissions from 4 submitters: Uncertain significance (2); Likely benign (2). Last evaluated 2025-04-09.

Conditions:
Brittle cornea syndrome 1 (BCS1). Also called: Corneal fragility keratoglobus, blue sclerae AND joint hypermobility; CORNEAL FRAGILITY, KERATOGLOBUS, BLUE SCLERAE, JOINT HYPEREXTENSIBILITY; EDS6B; FRAGILITAS OCULI WITH JOINT HYPEREXTENSIBILITY; DYSGENESIS MESODERMALIS CORNEAE ET SCLERAE. Identifiers: Orphanet 90354, MedGen C0268344, MONDO:0024543, OMIM 229200.
Cardiovascular phenotype. Identifiers: MedGen CN230736.

Allele frequency attached by ClinVar (database versions not stated): gnomAD exomes 0.00006 and 0.00001; gnomAD 0.00004 and 0.00002; TOPMed 0.00006.
gnomAD v4.1: 67 of 1,542,446 alleles (0.0043%); highest among the groups gnomAD compares: East Asian, 0.042%; 2 homozygotes.

Submissions (4):

Mayo Clinic Laboratories, Mayo Clinic
Classification: Likely benign. Last evaluated: 2025-04-09. Review status: criteria provided, single submitter. Criteria: ACMG Guidelines, 2015. Collection method: clinical testing. Allele origin: germline. Observed: 1 variant allele.
Comment: BS1, BP4_moderate

GeneDx
Classification: Uncertain significance. Last evaluated: 2024-05-13. Review status: criteria provided, single submitter. Criteria: GeneDx Variant Classification Process June 2021. Collection method: clinical testing. Allele origin: germline. Affected: yes.
Comment: Has not been previously published as pathogenic or benign to our knowledge; In silico analysis indicates that this missense variant does not alter protein structure/function

Ambry Genetics
Classification: Likely benign for Cardiovascular phenotype. Last evaluated: 2023-08-30. Review status: criteria provided, single submitter. Criteria: Ambry Variant Classification Scheme 2023. Collection method: clinical testing. Allele origin: germline.

Labcorp Genetics (formerly Invitae), Labcorp
Classification: Uncertain significance. Last evaluated: 2022-08-16. Review status: criteria provided, single submitter. Criteria: Invitae Variant Classification Sherloc (09022015). Collection method: clinical testing. Allele origin: germline.
Comment: This sequence change replaces lysine, which is basic and polar, with asparagine, which is neutral and polar, at codon 3081 of the ZNF469 protein (p.Lys3081Asn). This variant is present in population databases (rs369198557, gnomAD 0.04%). This variant has not been reported in the literature in individuals affected with ZNF469-related conditions. ClinVar contains an entry for this variant (Variation ID: 1438978). Algorithms developed to predict the effect of missense changes on protein structure and function are either unavailable or do not agree on the potential impact of this missense change (SIFT: "Deleterious"; PolyPhen-2: "Probably Damaging"; Align-GVGD: "Class C0"). In summary, the available evidence is currently insufficient to determine the role of this variant in disease. Therefore, it has been classified as a Variant of Uncertain Significance.

NM_001367624.2(ZNF469):c.9327G>C (p.Lys3109Asn)

Gene: ZNF469 (zinc finger protein 469; plus strand). Cytogenetic location: 16q24.2.
Variant type: single nucleotide variant.
Coding change: c.9327G>C on transcript NM_001367624.2 (MANE Select); coding-DNA position 9327, G replaced by C.
Protein change: p.Lys3109Asn; replaces lysine 3109 with asparagine.
Molecular consequence: missense variant.
Genome position (GRCh38, 1-based): chr16:88,436,797, G>C. VCF-style: chr16-88436797-G-C. GRCh37 (hg19) VCF-style: chr16-88503205-G-C.
Other names: NM_001127464.1:c.9243G>C; NM_001127464.2:c.9243G>C; p.Lys3109Asn; short protein forms K3109N.
Identifiers: ClinVar variation 1438978 (VCV001438978.8), dbSNP rs369198557, ClinGen allele CA286385293.